The following is an entry in ClinVar:

NM_003820.4(TNFRSF14):c.305-249C>T

Gene: TNFRSF14 (TNF receptor superfamily member 14; plus strand). Cytogenetic location: 1p36.32.
Variant type: single nucleotide variant.
Coding change: c.305-249C>T on transcript NM_003820.4 (MANE Select); 249 bases into the intron before coding-DNA position 305, C replaced by T.
Molecular consequence: intron variant.
Genome position (GRCh38, 1-based): chr1:2,559,574, C>T. VCF-style: chr1-2559574-C-T. GRCh37 (hg19) VCF-style: chr1-2491013-C-T.
Other names: c.305-249C>T (NM_001297605.2).
Identifiers: ClinVar variation 133408 (VCV000133408.1), dbSNP rs587777992, ClinGen allele CA156500.

ClinVar aggregate classification (germline): not provided (0 of 4 stars; one submission).

Submission:

ITMI
No classification provided. Condition: AllHighlyPenetrant. Last evaluated: 2013-09-19. Review status: no classification provided. Collection method: reference population. Allele origin: germline.
Comment: Please see associated publication for description of ethnicities

Literature cited by the submitters: PubMed 24728327.